The following is an entry in ClinVar:

ClinVar aggregate classification (germline): Uncertain significance (1 of 4 stars; one submission).

Conditions:
Catecholaminergic polymorphic ventricular tachycardia 1. Also called: RYR2-Related Catecholaminergic Polymorphic Ventricular Tachycardia; VENTRICULAR TACHYCARDIA, CATECHOLAMINERGIC POLYMORPHIC, 1, WITH OR WITHOUT ATRIAL DYSFUNCTION AND/OR DILATED CARDIOMYOPATHY; VENTRICULAR TACHYCARDIA, STRESS-INDUCED POLYMORPHIC 1. Identifiers: Orphanet 3286, MedGen C1631597, MONDO:0011484, OMIM 604772.

Allele frequency attached by ClinVar (database versions not stated): gnomAD exomes below 0.00001.
gnomAD v4.1: 1 of 1,558,046 alleles (0.000064%); highest among the groups gnomAD compares: Non-Finnish European, 0.000087%; no homozygotes.

Submission:

Labcorp Genetics (formerly Invitae), Labcorp
Classification: Uncertain significance for Catecholaminergic polymorphic ventricular tachycardia 1. Last evaluated: 2023-01-21. Review status: criteria provided, single submitter. Criteria: Invitae Variant Classification Sherloc (09022015). Collection method: clinical testing. Allele origin: germline.
Comment: In summary, the available evidence is currently insufficient to determine the role of this variant in disease. Therefore, it has been classified as a Variant of Uncertain Significance. Advanced modeling of protein sequence and biophysical properties (such as structural, functional, and spatial information, amino acid conservation, physicochemical variation, residue mobility, and thermodynamic stability) performed at Invitae indicates that this missense variant is not expected to disrupt TRDN protein function. This variant has not been reported in the literature in individuals affected with TRDN-related conditions. This variant is not present in population databases (gnomAD no frequency). This sequence change replaces valine, which is neutral and non-polar, with leucine, which is neutral and non-polar, at codon 278 of the TRDN protein (p.Val278Leu).

NM_006073.4(TRDN):c.832G>C (p.Val278Leu)

Gene: TRDN (triadin; minus strand). Cytogenetic location: 6q22.31.
Variant type: single nucleotide variant.
Coding change: c.832G>C on transcript NM_006073.4 (MANE Select); coding-DNA position 832, G replaced by C.
Protein change: p.Val278Leu; replaces valine 278 with leucine.
Molecular consequence: missense variant. On other transcripts: intron variant (2).
Genome position (GRCh38, 1-based): chr6:123,497,214, C>G on the plus strand (G>C on the coding strand, the complement: TRDN is on the minus strand). VCF-style: chr6-123497214-C-G. GRCh37 (hg19) VCF-style: chr6-123818359-C-G.
Other names: c.832G>C, p.Val278Leu (NM_001251987.2); c.793+6505G>C (NM_001407315.1, NM_001256020.2); short protein forms V278L.
Identifiers: ClinVar variation 2726070 (VCV002726070.3), dbSNP rs987212718, ClinGen allele CA365567280.